The following is an entry in ClinVar:

NM_001267550.2(TTN):c.104302_104303del (p.Arg34768fs)

Genes: TTN-AS1 (TTN antisense RNA 1; plus strand), TTN (titin; minus strand). Cytogenetic location: 2q31.2.
Variant type: Microsatellite.
Coding change: c.104302_104303del on transcript NM_001267550.2 (MANE Select); coding-DNA positions 104302 to 104303, 2 bases deleted (AG; older notation c.104302_104303delAG).
Protein change: p.Arg34768fs; shifts the reading frame from arginine 34768.
Molecular consequence: frameshift variant.
Genome position (GRCh38, 1-based): chr2:178,532,312-178,532,313, CT deleted on the plus strand (AG on the coding strand, the reverse complement: TTN is on the minus strand); deleting any 2 consecutive bases within chr2:178,532,312-178,532,316 gives the same sequence; the c. name uses the placement nearest the transcript's 3' end. VCF-style (leftmost placement, unchanged base first): chr2-178532311-CCT-C. GRCh37 (hg19) VCF-style: chr2-179397038-CCT-C.
Other names: c.99379_99380del, p.Arg33127fs (NM_001256850.1); c.77107_77108del, p.Arg25703fs (NM_003319.4); c.96598_96599del, p.Arg32200fs (NM_133378.4); c.77482_77483del, p.Arg25828fs (NM_133432.3); c.77683_77684del, p.Arg25895fs (NM_133437.4); short protein forms R32200fs, R25703fs, R33127fs, R25828fs, R25895fs, R34768fs.
Identifiers: ClinVar variation 1994297 (VCV001994297.4), dbSNP rs2468445812, ClinGen allele CA2580614453.

ClinVar aggregate classification (germline): Likely pathogenic (1 of 4 stars; one submission).

Conditions:
Dilated cardiomyopathy 1G (CMD1G). Identifiers: Orphanet 154, MedGen C1858763, MONDO:0011400, OMIM 604145.
Autosomal recessive limb-girdle muscular dystrophy type 2J (LGMDR10). Also called: Limb-girdle muscular dystrophy, type 2J; MUSCULAR DYSTROPHY, LIMB-GIRDLE, AUTOSOMAL RECESSIVE 10. Identifiers: Orphanet 140922, MedGen C1837342, MONDO:0012127, OMIM 608807.

Submission:

Labcorp Genetics (formerly Invitae), Labcorp
Classification: Likely pathogenic for Dilated cardiomyopathy 1G; Autosomal recessive limb-girdle muscular dystrophy type 2J. Last evaluated: 2023-12-06. Review status: criteria provided, single submitter. Criteria: Invitae Variant Classification Sherloc (09022015). Collection method: clinical testing. Allele origin: germline.
Comment: This sequence change creates a premature translational stop signal (p.Arg34768Glyfs*3) in the TTN gene. While this is not anticipated to result in nonsense mediated decay, it is expected to create a truncated TTN protein. This variant is not present in population databases (gnomAD no frequency). This variant has not been reported in the literature in individuals affected with TTN-related conditions. ClinVar contains an entry for this variant (Variation ID: 1994297). This variant is located in the M band of TTN (PMID: 25589632). Truncating variants in this region have been previously reported in individuals affected with autosomal recessive myopathy and muscular dystrophy (PMID: 18948003, 23975875, 24395473). Truncating variants in this region have also been identified in individuals affected with autosomal dominant dilated cardiomyopathy and/or cardio-related conditions (PMID: 27869827, 32964742). In summary, the currently available evidence indicates that the variant is pathogenic, but additional data are needed to prove that conclusively. Therefore, this variant has been classified as Likely Pathogenic.

Literature cited by the submitters: PubMed 25589632; PubMed 18948003; PubMed 23975875; PubMed 24395473; PubMed 27869827; PubMed 32964742.